The following is an entry in ClinVar:

NM_000458.4(HNF1B):c.544+2dup

Gene: HNF1B (HNF1 homeobox B; minus strand). Cytogenetic location: 17q12.
Variant type: Duplication.
Coding change: c.544+2dup on transcript NM_000458.4 (MANE Select); the canonical splice donor site of the intron after coding-DNA position 544, one base duplicated (T; older notation c.544+2dupT).
Molecular consequence: splice donor variant.
Genome position (GRCh38, 1-based): chr17:37,739,438, A duplicated on the plus strand (T on the coding strand, the reverse complement: HNF1B is on the minus strand). VCF-style (leftmost placement, unchanged base first): chr17-37739437-T-TA. GRCh37 (hg19) VCF-style: chr17-36099428-T-TA.
Other names: c.544+2dup (NM_001304286.2, NM_001165923.4).
Identifiers: ClinVar variation 635671 (VCV000635671.1), dbSNP rs2511827924, ClinGen allele CA913190787.

ClinVar aggregate classification (germline): Pathogenic (1 of 4 stars; one submission).

Conditions:
Renal cysts and diabetes syndrome (RCAD). Also called: Familial hypoplastic, glomerulocystic kidney; MATURITY-ONSET DIABETES OF THE YOUNG, TYPE 5. Identifiers: Orphanet 93111, MedGen C0431693, MONDO:0007669, OMIM 137920.

Submission:

Institute of Human Genetics, FAU Erlangen, Friedrich-Alexander-Universität Erlangen-Nürnberg
Classification: Pathogenic for Renal cysts and diabetes syndrome. Last evaluated: 2019-07-06. Review status: criteria provided, single submitter. Criteria: ACMG Guidelines, 2015. Collection method: literature only. Allele origin: germline. Affected: yes.
Comment: This variant and it's classification has been reported by Vasileiou et al. 2019; DOI:10.1101/576918. The variants has previously been reported in PMID:25441779 as "IVS2 +2insT" with clinical significance Pathogenic. It has been re-classified using InterVar and manual curation as Pathogenic based on PVS1 PM2 PP3.

Literature cited by the submitters: PubMed 25441779; DOI 10.1101/576918.